The following is an entry in ClinVar:

ClinVar aggregate classification (germline): Uncertain significance (0 of 4 stars; one submission).

Conditions:
INTS1-related disorder. Also called: INTS1-related condition.

Submission:

PreventionGenetics, part of Exact Sciences
Classification: Uncertain significance for INTS1-related condition. Last evaluated: 2023-10-20. Review status: no assertion criteria provided. Collection method: clinical testing. Allele origin: germline.
Comment: The INTS1 c.1305G>C variant is predicted to result in the amino acid substitution p.Lys435Asn. To our knowledge, this variant has not been reported in the literature or in a large population database, indicating this variant is rare. At this time, the clinical significance of this variant is uncertain due to the absence of conclusive functional and genetic evidence.

NM_001080453.3(INTS1):c.1305G>C (p.Lys435Asn)

Gene: INTS1 (integrator complex subunit 1; minus strand). Cytogenetic location: 7p22.3.
Variant type: single nucleotide variant.
Coding change: c.1305G>C on transcript NM_001080453.3 (MANE Select); coding-DNA position 1305, G replaced by C.
Protein change: p.Lys435Asn; replaces lysine 435 with asparagine.
Molecular consequence: missense variant.
Genome position (GRCh38, 1-based): chr7:1,498,532, C>G on the plus strand (G>C on the coding strand, the complement: INTS1 is on the minus strand). VCF-style: chr7-1498532-C-G. GRCh37 (hg19) VCF-style: chr7-1538168-C-G.
Other names: short protein forms K435N.
Identifiers: ClinVar variation 3035936 (VCV003035936.2), dbSNP rs2483381110, ClinGen allele CA366594377.